The following is an entry in ClinVar:

NM_001206927.2(DNAH8):c.12377C>G (p.Pro4126Arg)

Genes: DNAH8 (dynein axonemal heavy chain 8; plus strand), DNAH8-AS1 (DNAH8 antisense RNA 1; minus strand). Cytogenetic location: 6p21.2.
Variant type: single nucleotide variant.
Coding change: c.12377C>G on transcript NM_001206927.2 (MANE Select); coding-DNA position 12377, C replaced by G.
Protein change: p.Pro4126Arg; replaces proline 4126 with arginine.
Molecular consequence: missense variant.
Genome position (GRCh38, 1-based): chr6:38,951,446, C>G. VCF-style: chr6-38951446-C-G. GRCh37 (hg19) VCF-style: chr6-38919222-C-G.
Other names: c.11726C>G, p.Pro3909Arg (NM_001371.4); short protein forms P3909R, P4126R.
Identifiers: ClinVar variation 1011564 (VCV001011564.9), dbSNP rs1273805892, ClinGen allele CA363997176.
Genomic context (GRCh38, chr6:38,951,446, plus strand): 5'-ACACAGAACCAGTTATCTTAAATCTGGAGAAAACTTGGGAAGAAAGTGATACCCGGACAC[C>G]TCTGATATGCTTCCTGTCCATGGGATCTGACCCCACCAATCAAATTGATGCATTGGCCAA-3'
Protein context (NP_001193856.1, residues 4116-4136): KTWEESDTRT[Pro4126Arg]LICFLSMGSD

ClinVar aggregate classification (germline): Uncertain significance (1 of 4 stars; one submission).

Conditions:
Primary ciliary dyskinesia. Also called: Ciliary dyskinesia. Identifiers: Orphanet 244, MedGen C0008780, MONDO:0016575, HP:0012265.

Allele frequency attached by ClinVar (database versions not stated): gnomAD exomes below 0.00001; TOPMed below 0.00001.
gnomAD v4.1: 5 of 1,614,122 alleles (0.00031%); highest among the groups gnomAD compares: Non-Finnish European, 0.00042%; no homozygotes.

Submission:

Labcorp Genetics (formerly Invitae), Labcorp
Classification: Uncertain significance for Primary ciliary dyskinesia. Last evaluated: 2020-02-06. Review status: criteria provided, single submitter. Criteria: Invitae Variant Classification Sherloc (09022015). Collection method: clinical testing. Allele origin: germline.
Comment: In summary, the available evidence is currently insufficient to determine the role of this variant in disease. Therefore, it has been classified as a Variant of Uncertain Significance. Algorithms developed to predict the effect of missense changes on protein structure and function are either unavailable or do not agree on the potential impact of this missense change (SIFT: "Deleterious"; PolyPhen-2: "Not Available"; Align-GVGD: "Class C65"). This variant has not been reported in the literature in individuals with DNAH8-related conditions. This variant is not present in population databases (ExAC no frequency). This sequence change replaces proline with arginine at codon 4126 of the DNAH8 protein (p.Pro4126Arg). The proline residue is highly conserved and there is a moderate physicochemical difference between proline and arginine.